The following is an entry in ClinVar:

NM_001379270.1(CNGA1):c.1274A>G (p.Asp425Gly)

Genes: CNGA1 (cyclic nucleotide gated channel subunit alpha 1; minus strand), LOC101927157 (uncharacterized LOC101927157; plus strand). Cytogenetic location: 4p12.
Variant type: single nucleotide variant.
Coding change: c.1274A>G on transcript NM_001379270.1 (MANE Select); coding-DNA position 1274, A replaced by G.
Protein change: p.Asp425Gly; replaces aspartic acid 425 with glycine.
Molecular consequence: missense variant.
Genome position (GRCh38, 1-based): chr4:47,937,208, T>C on the plus strand (A>G on the coding strand, the complement: CNGA1 is on the minus strand). VCF-style: chr4-47937208-T-C. GRCh37 (hg19) VCF-style: chr4-47939225-T-C.
Other names: c.1274A>G, p.Asp425Gly (NM_000087.5, NM_001142564.2); short protein forms D425G.
Identifiers: ClinVar variation 1919857 (VCV001919857.3), dbSNP rs1009438460, ClinGen allele CA96688839.

ClinVar aggregate classification (germline): Uncertain significance (1 of 4 stars; one submission).

Allele frequency attached by ClinVar (database versions not stated): gnomAD exomes 0.00001; TOPMed 0.00002; gnomAD 0.00003.
gnomAD v4.1: 21 of 1,614,086 alleles (0.0013%); highest among the groups gnomAD compares: Non-Finnish European, 0.0017%; no homozygotes.

Submission:

Labcorp Genetics (formerly Invitae), Labcorp
Classification: Uncertain significance. Last evaluated: 2022-04-22. Review status: criteria provided, single submitter. Criteria: Invitae Variant Classification Sherloc (09022015). Collection method: clinical testing. Allele origin: germline.
Comment: This sequence change replaces aspartic acid, which is acidic and polar, with glycine, which is neutral and non-polar, at codon 429 of the CNGA1 protein (p.Asp429Gly). This variant is present in population databases (no rsID available, gnomAD 0.003%). This variant has not been reported in the literature in individuals affected with CNGA1-related conditions. Algorithms developed to predict the effect of missense changes on protein structure and function are either unavailable or do not agree on the potential impact of this missense change (SIFT: "Deleterious"; PolyPhen-2: "Probably Damaging"; Align-GVGD: "Class C0"). In summary, the available evidence is currently insufficient to determine the role of this variant in disease. Therefore, it has been classified as a Variant of Uncertain Significance.